The following is an entry in ClinVar:

NM_015599.3(PGM3):c.-2-209C>A

Gene: PGM3 (phosphoglucomutase 3; minus strand). Cytogenetic location: 6q14.1.
Variant type: single nucleotide variant.
Coding change: c.-2-209C>A on transcript NM_015599.3 (MANE Select); 209 bases into the intron before 2 bases upstream of the start codon, C replaced by A.
Molecular consequence: intron variant. On other transcripts: missense variant (2).
Genome position (GRCh38, 1-based): chr6:83,191,223, G>T on the plus strand (C>A on the coding strand, the complement: PGM3 is on the minus strand). VCF-style: chr6-83191223-G-T. GRCh37 (hg19) VCF-style: chr6-83900942-G-T.
Other names: c.-2-209C>A (LRG_1312t1, NM_001367286.1, NM_001199919.2); c.46C>A, p.Gln16Lys (NM_001199917.2, NM_001367287.1); c.-40+1956C>A (NM_001199918.2); short protein forms Q16K.
Identifiers: ClinVar variation 625989 (VCV000625989.2), dbSNP rs1438440008, ClinGen allele CA364854537.

ClinVar aggregate classification (germline): Uncertain significance (1 of 4 stars; one submission).

Conditions:
Immunodeficiency 23 (IMD23). Also called: IMMUNODEFICIENCY WITH HYPER IgE AND COGNITIVE IMPAIRMENT; IMMUNODEFICIENCY-VASCULITIS-MYOCLONUS SYNDROME. Identifiers: Orphanet 443811, MedGen C4014371, MONDO:0014353, OMIM 615816.

Allele frequency attached by ClinVar (database versions not stated): gnomAD 0.00001; TOPMed 0.00001.
gnomAD v4.1: 1 of 1,535,132 alleles (0.000065%); highest among the groups gnomAD compares: African/African-American, 0.0014%; no homozygotes.

Submission:

Center for Genomics, Ann and Robert H. Lurie Children's Hospital of Chicago
Classification: Uncertain significance for Immunodeficiency 23. Last evaluated: 2021-03-30. Review status: criteria provided, single submitter. Criteria: ACMG Guidelines, 2015. Collection method: clinical testing. Allele origin: germline.
Comment: PGM3 NM_001199917.1 exon 2 p.Gln16Lys (c.46C>A): This variant has not been reported in the literature and is not present in large control databases. Evolutionary conservation for this variant is limited or unavailable; computational predictive tools for this variant suggest that this variant may not impact the protein. In summary, data on this variant is insufficient for disease classification. Therefore, the clinical significance of this variant is uncertain.